The following is an entry in ClinVar:

ClinVar aggregate classification (germline): Likely benign. Review status: criteria provided, multiple submitters, no conflicts (2 of 4 stars). 3 submissions from 3 submitters: Likely benign (3). Last evaluated 2026-05-01.

Conditions:
Inborn genetic diseases. Identifiers: MedGen C0950123, MeSH D030342.
Tatton-Brown-Rahman overgrowth syndrome. Also called: Tatton-Brown-Rahman syndrome; Tall stature-intellectual disability-facial dysmorphism syndrome. Identifiers: Orphanet 404443, MedGen C4014545, MONDO:0014382, OMIM 615879.

Allele frequency attached by ClinVar (database versions not stated): TOPMed 0.00002; gnomAD 0.00003; gnomAD exomes 0.00003; ExAC 0.00007.
gnomAD v4.1: 52 of 1,614,026 alleles (0.0032%); highest among the groups gnomAD compares: Admixed American, 0.0067%; no homozygotes.

Submissions (3):

CeGaT Center for Human Genetics Tuebingen
Classification: Likely benign. Last evaluated: 2026-05-01. Review status: criteria provided, single submitter. Criteria: CeGaT Center For Human Genetics Tuebingen Variant Classification Criteria Version 2. Collection method: clinical testing. Allele origin: germline. Affected: yes. Observed: 1 variant allele.
Comment: DNMT3A: BP4, BP7

Labcorp Genetics (formerly Invitae), Labcorp
Classification: Likely benign for Tatton-Brown-Rahman overgrowth syndrome. Last evaluated: 2025-07-13. Review status: criteria provided, single submitter. Criteria: Invitae Variant Classification Sherloc (09022015). Collection method: clinical testing. Allele origin: germline.

Ambry Genetics
Classification: Likely benign for Inborn genetic diseases. Last evaluated: 2024-12-02. Review status: criteria provided, single submitter. Criteria: Ambry Variant Classification Scheme 2023. Collection method: clinical testing. Allele origin: germline.

NM_022552.5(DNMT3A):c.1587C>T (p.Asp529=)

Gene: DNMT3A (DNA methyltransferase 3 alpha; minus strand). Cytogenetic location: 2p23.3.
Variant type: single nucleotide variant.
Coding change: c.1587C>T on transcript NM_022552.5 (MANE Select); coding-DNA position 1587, C replaced by T.
Protein change: p.Asp529=; no amino-acid change (aspartic acid 529 retained).
Molecular consequence: synonymous variant. On other transcripts: non-coding transcript variant (1).
Genome position (GRCh38, 1-based): chr2:25,244,620, G>A on the plus strand (C>T on the coding strand, the complement: DNMT3A is on the minus strand). VCF-style: chr2-25244620-G-A. GRCh37 (hg19) VCF-style: chr2-25467489-G-A.
Other names: c.1131C>T, p.Asp377= (NM_001320893.1); c.918C>T, p.Asp306= (NM_001375819.1); c.1020C>T, p.Asp340= (NM_153759.3); c.1587C>T, p.Asp529= (NM_175629.2); c.1587C>T (NM_022552.3).
Identifiers: ClinVar variation 2154871 (VCV002154871.7), dbSNP rs768966559, ClinGen allele CA1555936.